The following is an entry in ClinVar:

ClinVar aggregate classification (germline): Uncertain significance (1 of 4 stars; one submission).

Conditions:
Microcephaly, normal intelligence and immunodeficiency (NBS). Also called: Nijmegen breakage syndrome; Microcephaly with normal intelligence immunodeficiency and lymphoreticular malignancies; Nonsyndromal microcephaly autosomal recessive with normal intelligence; Seemanova syndrome 2; Immunodeficiency, microcephaly with normal intelligence; Ataxia telangiectasia variant V1. Identifiers: Orphanet 647, MedGen C0398791, MONDO:0009623, OMIM 251260.

Submission:

Labcorp Genetics (formerly Invitae), Labcorp
Classification: Uncertain significance for Microcephaly, normal intelligence and immunodeficiency. Last evaluated: 2022-04-29. Review status: criteria provided, single submitter. Criteria: Invitae Variant Classification Sherloc (09022015). Collection method: clinical testing. Allele origin: germline.
Comment: This sequence change replaces histidine, which is basic and polar, with glutamine, which is neutral and polar, at codon 235 of the NBN protein (p.His235Gln). This variant is not present in population databases (gnomAD no frequency). This variant has not been reported in the literature in individuals affected with NBN-related conditions. Algorithms developed to predict the effect of missense changes on protein structure and function are either unavailable or do not agree on the potential impact of this missense change (SIFT: "Tolerated"; PolyPhen-2: "Possibly Damaging"; Align-GVGD: "Class C0"). Algorithms developed to predict the effect of sequence changes on RNA splicing suggest that this variant may create or strengthen a splice site. In summary, the available evidence is currently insufficient to determine the role of this variant in disease. Therefore, it has been classified as a Variant of Uncertain Significance.

NM_002485.5(NBN):c.705T>G (p.His235Gln)

Gene: NBN (nibrin; minus strand). Cytogenetic location: 8q21.3.
Variant type: single nucleotide variant.
Coding change: c.705T>G on transcript NM_002485.5 (MANE Select); coding-DNA position 705, T replaced by G.
Protein change: p.His235Gln; replaces histidine 235 with glutamine.
Molecular consequence: missense variant.
Genome position (GRCh38, 1-based): chr8:89,970,555, A>C on the plus strand (T>G on the coding strand, the complement: NBN is on the minus strand). VCF-style: chr8-89970555-A-C. GRCh37 (hg19) VCF-style: chr8-90982783-A-C.
Other names: c.459T>G, p.His153Gln (NM_001024688.3); short protein forms H153Q, H235Q.
Identifiers: ClinVar variation 2131906 (VCV002131906.4), dbSNP rs1586087184, ClinGen allele CA371658898.